The following is an entry in ClinVar:

ClinVar aggregate classification (germline): Uncertain significance (1 of 4 stars; one submission).

Conditions:
RASA1-related disorder. Also called: RASA1-related condition.

Submission:

PreventionGenetics, part of Exact Sciences
Classification: Uncertain significance for RASA1-related condition. Last evaluated: 2025-03-14. Review status: criteria provided, single submitter. Criteria: ACMG Guidelines, 2015. Collection method: clinical testing. Allele origin: germline.
Comment: The RASA1 c.545A>G variant is predicted to result in the amino acid substitution p.Tyr182Cys. To our knowledge, this variant has not been reported in the literature or in a large population database (gnomAD), indicating this variant is rare. At this time, the clinical significance of this variant is uncertain due to the absence of conclusive functional and genetic evidence.

NM_002890.3(RASA1):c.545A>G (p.Tyr182Cys)

Genes: CCNH (cyclin H; minus strand), RASA1 (RAS p21 protein activator 1; plus strand). Cytogenetic location: 5q14.3.
Variant type: single nucleotide variant.
Coding change: c.545A>G on transcript NM_002890.3 (MANE Select); coding-DNA position 545, A replaced by G.
Protein change: p.Tyr182Cys; replaces tyrosine 182 with cysteine.
Molecular consequence: missense variant. On other transcripts: intron variant (1).
Genome position (GRCh38, 1-based): chr5:87,331,353, A>G. VCF-style: chr5-87331353-A-G. GRCh37 (hg19) VCF-style: chr5-86627170-A-G.
Other names: c.14A>G, p.Tyr5Cys (NM_022650.3); c.934-18558T>C (NM_001364075.2); short protein forms Y5C, Y182C.
Identifiers: ClinVar variation 5001638 (VCV005001638.1).
Genomic context (GRCh38, chr5:87,331,353, plus strand): 5'-TAGAAATTCTGCACTTGCTATTTATATTGTAATATCTTCTCTGTTTTTCCCCTAGGTGGT[A>G]TCACGGAAAACTTGACAGAACGATAGCAGAAGAACGCCTCAGGCAGGCAGGGAAGTCTGG-3'
Protein context (NP_002881.1, residues 172-192): PLTAPPTNQW[Tyr182Cys]HGKLDRTIAE